The following is an entry in ClinVar:

ClinVar aggregate classification (germline): Benign/Likely benign. Review status: criteria provided, multiple submitters, no conflicts (2 of 4 stars). 5 submissions from 5 submitters: Benign (2); Likely benign (3). Last evaluated 2025-12-20.

Conditions:
Episodic kinesigenic dyskinesia (EKD). Also called: Paroxysmal kinesigenic dyskinesia. Identifiers: Orphanet 98809, MedGen C1868682, MONDO:0044202.
Inborn genetic diseases. Identifiers: MedGen C0950123, MeSH D030342.

Allele frequency attached by ClinVar (database versions not stated): ESP Exome Variant Server 0.00023; 1000 Genomes Project 30x 0.00047; gnomAD 0.00048 and 0.00049; TOPMed 0.00054; 1000 Genomes Project 0.00060.

Submissions (5):

Labcorp Genetics (formerly Invitae), Labcorp
Classification: Benign for Episodic kinesigenic dyskinesia. Last evaluated: 2025-12-20. Review status: criteria provided, single submitter. Criteria: Invitae Variant Classification Sherloc (09022015). Collection method: clinical testing. Allele origin: germline.

Blueprint Genetics
Classification: Likely benign. Last evaluated: 2024-08-06. Review status: criteria provided, single submitter. Criteria: ACMG Guidelines, 2015. Collection method: clinical testing. Allele origin: germline.

Ambry Genetics
Classification: Likely benign for Inborn genetic diseases. Last evaluated: 2018-12-07. Review status: criteria provided, single submitter. Criteria: Ambry Variant Classification Scheme 2023. Collection method: clinical testing. Allele origin: germline.

Athena Diagnostics
Classification: Benign. Last evaluated: 2018-08-08. Review status: criteria provided, single submitter. Criteria: Athena Diagnostics Criteria. Collection method: clinical testing. Allele origin: germline.

GeneDx
Classification: Likely benign. Last evaluated: 2017-02-10. Review status: criteria provided, single submitter. Criteria: GeneDx Variant Classification (06012015). Collection method: clinical testing. Allele origin: germline. Affected: yes.
Comment: This variant is considered likely benign or benign based on one or more of the following criteria: it is a conservative change, it occurs at a poorly conserved position in the protein, it is predicted to be benign by multiple in silico algorithms, and/or has population frequency not consistent with disease.

Literature cited by the submitters: PubMed 24594579 (cited by Athena Diagnostics).

NM_145239.3(PRRT2):c.645C>T (p.Pro215=)

Genes: MVP-DT (MVP divergent transcript; minus strand), PRRT2 (proline rich transmembrane protein 2; plus strand). Cytogenetic location: 16p11.2.
Variant type: single nucleotide variant.
Coding change: c.645C>T on transcript NM_145239.3 (MANE Select); coding-DNA position 645, C replaced by T.
Protein change: p.Pro215=; no amino-acid change (proline 215 retained).
Molecular consequence: synonymous variant.
Genome position (GRCh38, 1-based): chr16:29,813,699, C>T. VCF-style: chr16-29813699-C-T. GRCh37 (hg19) VCF-style: chr16-29825020-C-T.
Other names: c.645C>T, p.Pro215= (NM_001256442.2, NM_001256443.2).
Identifiers: ClinVar variation 378432 (VCV000378432.16), dbSNP rs183683129, ClinGen allele CA7994563.